The following is an entry in ClinVar:

NM_153212.3(GJB4):c.250G>T (p.Val84Phe)

Gene: GJB4 (gap junction protein beta 4; plus strand). Cytogenetic location: 1p34.3.
Variant type: single nucleotide variant.
Coding change: c.250G>T on transcript NM_153212.3 (MANE Select); coding-DNA position 250, G replaced by T.
Protein change: p.Val84Phe; replaces valine 84 with phenylalanine.
Molecular consequence: missense variant.
Genome position (GRCh38, 1-based): chr1:34,761,504, G>T. VCF-style: chr1-34761504-G-T. GRCh37 (hg19) VCF-style: chr1-35227105-G-T.
Other names: short protein forms V84F.
Identifiers: ClinVar variation 2979667 (VCV002979667.3), dbSNP rs773583740, ClinGen allele CA754523.
Genomic context (GRCh38, chr1:34,761,504, plus strand): 5'-TGCTATGACGAGTTCTTCCCCGTGTCCCACGTGCGCCTCTGGGCCCTACAGCTCATCCTG[G>T]TCACGTGCCCCTCACTGCTCGTGGTCATGCACGTGGCCTACCGCGAGGAACGCGAGCGCA-3'
Protein context (NP_694944.1, residues 74-94): VRLWALQLIL[Val84Phe]TCPSLLVVMH

ClinVar aggregate classification (germline): Uncertain significance (1 of 4 stars; one submission).

gnomAD v4.1: 5 of 1,614,170 alleles (0.00031%); highest among the groups gnomAD compares: Admixed American, 0.0067%; no homozygotes.

Submission:

Labcorp Genetics (formerly Invitae), Labcorp
Classification: Uncertain significance. Last evaluated: 2024-02-23. Review status: criteria provided, single submitter. Criteria: Invitae Variant Classification Sherloc (09022015). Collection method: clinical testing. Allele origin: germline.
Comment: This sequence change replaces valine, which is neutral and non-polar, with phenylalanine, which is neutral and non-polar, at codon 84 of the GJB4 protein (p.Val84Phe). This variant is present in population databases (rs773583740, gnomAD 0.009%). This variant has not been reported in the literature in individuals affected with GJB4-related conditions. Advanced modeling of protein sequence and biophysical properties (such as structural, functional, and spatial information, amino acid conservation, physicochemical variation, residue mobility, and thermodynamic stability) performed at Invitae indicates that this missense variant is not expected to disrupt GJB4 protein function with a negative predictive value of 80%. In summary, the available evidence is currently insufficient to determine the role of this variant in disease. Therefore, it has been classified as a Variant of Uncertain Significance.